The following is an entry in ClinVar:

NM_000143.4(FH):c.1096A>C (p.Ser366Arg)

Gene: FH (fumarate hydratase; minus strand). Cytogenetic location: 1q43.
Variant type: single nucleotide variant.
Coding change: c.1096A>C on transcript NM_000143.4 (MANE Select); coding-DNA position 1096, A replaced by C.
Protein change: p.Ser366Arg; replaces serine 366 with arginine.
Molecular consequence: missense variant.
Genome position (GRCh38, 1-based): chr1:241,504,054, T>G on the plus strand (A>C on the coding strand, the complement: FH is on the minus strand). VCF-style: chr1-241504054-T-G. GRCh37 (hg19) VCF-style: chr1-241667354-T-G.
Other names: short protein forms S366R.
Identifiers: ClinVar variation 4871334 (VCV004871334.1).
Genomic context (GRCh38, chr1:241,504,054, plus strand): 5'-AGGACCTAGTCAAGTTTTAGCTCCAACATTTACTAGCTATGTGATTACCTGGCATGATAC[T>G]GCTTCCTGGTTCATTTTCAGGCAAGATCAATTCTCCCAGACCTGACCGAGGACCAGAACC-3'
Protein context (NP_000134.2, residues 356-376): LILPENEPGS[Ser366Arg]IMPGKVNPTQ

ClinVar aggregate classification (germline): Likely pathogenic (1 of 4 stars; one submission).

Conditions:
Hereditary cancer-predisposing syndrome. Also called: Neoplastic Syndromes, Hereditary; Hereditary Cancer Syndrome; Hereditary neoplastic syndrome; Tumor predisposition. Identifiers: Orphanet 140162, MedGen C0027672, MeSH D009386, MONDO:0015356.

Submission:

Ambry Genetics
Classification: Likely pathogenic for Hereditary cancer-predisposing syndrome. Last evaluated: 2026-06-01. Review status: criteria provided, single submitter. Criteria: Ambry Variant Classification Scheme 2023. Collection method: clinical testing. Allele origin: germline.
Comment: The p.S366R variant (also known as c.1096A>C), located in coding exon 7 of the FH gene, results from an A to C substitution at nucleotide position 1096. The serine at codon 366 is replaced by arginine, an amino acid with dissimilar properties. This variant was reported in individual(s) with features consistent with FH-related tumor predisposition (Ambry internal data). Another variant at the same codon, p.S366N (c.1097G>A), has been identified in individual(s) with features consistent with FH-related tumor predisposition (Alam NA et al. Hum. Mol. Genet. 2003 Jun;12:1241-52; Toro JR et al. Am. J. Hum. Genet. 2003 Jul;73:95-106; Alam NA et al. J Mol Diagn. 2005 Oct;7:437-43; Picaud S et al. J. Inherit. Metab. Dis. 2011 Jun;34:671-6; Bardella C et al. J. Pathol. 2011 Sep;225(1):4-11; Mechaly AE et al. FEBS Lett. 2012 Jun;586:1606-11; Ajalla Aleixo MA et al. FEBS J. 2019 May;286:1925-1940; Gupta S et al. Hum Pathol, 2019 Sep;91:114-122; Ambry internal data).This amino acid position is highly conserved in available vertebrate species. In addition, this alteration is predicted to be deleterious by in silico analysis. This variant is considered to be rare based on population cohorts in the Genome Aggregation Database (gnomAD). Based on the majority of available evidence to date, this variant is likely to be pathogenic.

Literature cited by the submitters: PubMed 12761039; PubMed 12772087; PubMed 16237213; PubMed 19939761; PubMed 21445611; PubMed 21630274; PubMed 22561013; PubMed 30761759; PubMed 31299266.